The following is an entry in ClinVar:

ClinVar aggregate classification (germline): Uncertain significance (1 of 4 stars; one submission).

Submission:

GeneDx
Classification: Uncertain significance. Last evaluated: 2024-04-26. Review status: criteria provided, single submitter. Criteria: GeneDx Variant Classification Process June 2021. Collection method: clinical testing. Allele origin: germline. Affected: yes.
Comment: Not observed at significant frequency in large population cohorts (gnomAD); In silico analysis supports that this missense variant has a deleterious effect on protein structure/function; Within p160 coactivator interaction domain (PMID: 8616895); Has not been previously published as pathogenic or benign to our knowledge; This variant is associated with the following publications: (PMID: 8616895)

NM_004380.3(CREBBP):c.6310C>A (p.Arg2104Ser)

Gene: CREBBP (CREB binding protein; minus strand). Cytogenetic location: 16p13.3.
Variant type: single nucleotide variant.
Coding change: c.6310C>A on transcript NM_004380.3 (MANE Select); coding-DNA position 6310, C replaced by A.
Protein change: p.Arg2104Ser; replaces arginine 2104 with serine.
Molecular consequence: missense variant.
Genome position (GRCh38, 1-based): chr16:3,728,737, G>T on the plus strand (C>A on the coding strand, the complement: CREBBP is on the minus strand). VCF-style: chr16-3728737-G-T. GRCh37 (hg19) VCF-style: chr16-3778738-G-T.
Other names: c.6196C>A, p.Arg2066Ser (NM_001079846.1); short protein forms R2066S, R2104S.
Identifiers: ClinVar variation 3373138 (VCV003373138.1).